The following is an entry in ClinVar:

NM_017950.4(CCDC40):c.2299G>A (p.Asp767Asn)

Gene: CCDC40 (coiled-coil domain 40 molecular ruler complex subunit; plus strand). Cytogenetic location: 17q25.3.
Variant type: single nucleotide variant.
Coding change: c.2299G>A on transcript NM_017950.4 (MANE Select); coding-DNA position 2299, G replaced by A.
Protein change: p.Asp767Asn; replaces aspartic acid 767 with asparagine.
Molecular consequence: missense variant.
Genome position (GRCh38, 1-based): chr17:80,086,066, G>A. VCF-style: chr17-80086066-G-A. GRCh37 (hg19) VCF-style: chr17-78059865-G-A.
Other names: c.2299G>A, p.Asp767Asn (NM_001243342.2); short protein forms D767N.
Identifiers: ClinVar variation 2071803 (VCV002071803.1), dbSNP rs373560340, ClinGen allele CA8814168.
Genomic context (GRCh38, chr17:80,086,066, plus strand): 5'-GAAGAAGTGGGGCCCCTGGAGCTTGAAATCAAAAGGCTGAGCAAGCTGATCGACGAGCAC[G>A]ATGGCAAGGCGGTCCAGGCCCAGGTGACCTGGCTGCGCCTGCAGCAGGAGATGGTCAAGG-3'
Protein context (NP_060420.2, residues 757-777): KRLSKLIDEH[Asp767Asn]GKAVQAQVTW

ClinVar aggregate classification (germline): Uncertain significance (1 of 4 stars; one submission).

Conditions:
Primary ciliary dyskinesia. Also called: Ciliary dyskinesia. Identifiers: Orphanet 244, MedGen C0008780, MONDO:0016575, HP:0012265.

Allele frequency attached by ClinVar (database versions not stated): ExAC 0.00002; gnomAD exomes 0.00003; TOPMed 0.00004; ESP Exome Variant Server 0.00008.
gnomAD v4.1: 40 of 1,614,154 alleles (0.0025%); highest among the groups gnomAD compares: Admixed American, 0.005%; no homozygotes.

Submission:

Labcorp Genetics (formerly Invitae), Labcorp
Classification: Uncertain significance for Primary ciliary dyskinesia. Last evaluated: 2022-05-07. Review status: criteria provided, single submitter. Criteria: Invitae Variant Classification Sherloc (09022015). Collection method: clinical testing. Allele origin: germline.
Comment: This sequence change replaces aspartic acid, which is acidic and polar, with asparagine, which is neutral and polar, at codon 767 of the CCDC40 protein (p.Asp767Asn). This variant is present in population databases (rs373560340, gnomAD 0.009%). This variant has not been reported in the literature in individuals affected with CCDC40-related conditions. Algorithms developed to predict the effect of missense changes on protein structure and function output the following: SIFT: "Tolerated"; PolyPhen-2: "Benign"; Align-GVGD: "Class C0". The asparagine amino acid residue is found in multiple mammalian species, which suggests that this missense change does not adversely affect protein function. In summary, the available evidence is currently insufficient to determine the role of this variant in disease. Therefore, it has been classified as a Variant of Uncertain Significance.